The following is an entry in ClinVar:

NC_000002.11:g.(?_169842610)_(169853242_?)dup

Gene: ABCB11 (ATP binding cassette subfamily B member 11; minus strand). Cytogenetic location: 2q31.1.
Variant type: Duplication.
Identifiers: ClinVar variation 1068208 (VCV001068208.3).

ClinVar aggregate classification (germline): Likely pathogenic (1 of 4 stars; one submission).

Submission:

Labcorp Genetics (formerly Invitae), Labcorp
Classification: Likely pathogenic. Last evaluated: 2020-03-14. Review status: criteria provided, single submitter. Criteria: Invitae Variant Classification Sherloc (09022015). Collection method: clinical testing. Allele origin: germline.
Comment: This variant results in a copy number gain of the genomic region encompassing exons 6-10 of the ABCB11 gene. While the exact position of this variant cannot be determined from this data, sub-genic copy number gains are generally in tandem (PMID: 25640679) and may result in an absent or disrupted protein product. This variant has not been reported in the literature in individuals with ABCB11-related conditions. In summary, the currently available evidence indicates that the variant is pathogenic, but additional data are needed to prove that conclusively. Therefore, this variant has been classified as Likely Pathogenic. Loss-of-function variants in ABCB11 are known to be pathogenic (PMID: 18395098, 20232290).

Literature cited by the submitters: PubMed 25640679; PubMed 18395098; PubMed 20232290.